The following is an entry in ClinVar:

NM_001363118.2(SLC52A2):c.164T>C (p.Val55Ala)

Gene: SLC52A2 (solute carrier family 52 member 2; plus strand). Cytogenetic location: 8q24.3.
Variant type: single nucleotide variant.
Coding change: c.164T>C on transcript NM_001363118.2 (MANE Select); coding-DNA position 164, T replaced by C.
Protein change: p.Val55Ala; replaces valine 55 with alanine.
Molecular consequence: missense variant. On other transcripts: non-coding transcript variant (1), intron variant (1).
Genome position (GRCh38, 1-based): chr8:144,359,656, T>C. VCF-style: chr8-144359656-T-C. GRCh37 (hg19) VCF-style: chr8-145583316-T-C.
Other names: c.164T>C, p.Val55Ala (NM_001253815.2, NM_001253816.2, NM_001363120.2 and 2 more transcripts); c.130+233T>C (NM_001363122.2); short protein forms V55A.
Identifiers: ClinVar variation 945185 (VCV000945185.4), dbSNP rs1554853854, ClinGen allele CA372626241.

ClinVar aggregate classification (germline): Uncertain significance (1 of 4 stars; one submission).

Conditions:
Brown-Vialetto-van Laere syndrome 2. Also called: SPINOCEREBELLAR ATAXIA WITH BLINDNESS AND DEAFNESS 2; Riboflavin transporter deficiency type 2. Identifiers: Orphanet 572543, Orphanet 97229, MedGen C3553538, MONDO:0013867, OMIM 614707.

Allele frequency attached by ClinVar (database versions not stated): gnomAD exomes below 0.00001.
gnomAD v4.1: 4 of 1,613,882 alleles (0.00025%); highest among the groups gnomAD compares: Non-Finnish European, 0.00025%; no homozygotes.

Submission:

Labcorp Genetics (formerly Invitae), Labcorp
Classification: Uncertain significance for Brown-Vialetto-van Laere syndrome 2. Last evaluated: 2021-08-31. Review status: criteria provided, single submitter. Criteria: Invitae Variant Classification Sherloc (09022015). Collection method: clinical testing. Allele origin: germline.
Comment: This sequence change replaces valine with alanine at codon 55 of the SLC52A2 protein (p.Val55Ala). The valine residue is highly conserved and there is a small physicochemical difference between valine and alanine. This variant is not present in population databases (ExAC no frequency). This variant has not been reported in the literature in individuals affected with SLC52A2-related conditions. Algorithms developed to predict the effect of missense changes on protein structure and function (SIFT, PolyPhen-2, Align-GVGD) all suggest that this variant is likely to be disruptive. In summary, the available evidence is currently insufficient to determine the role of this variant in disease. Therefore, it has been classified as a Variant of Uncertain Significance.